The following is an entry in ClinVar:

NM_001281775.3(ZMYND8):c.1349C>T (p.Pro450Leu)

Gene: ZMYND8 (zinc finger MYND-type containing 8; minus strand). Cytogenetic location: 20q13.12.
Variant type: single nucleotide variant.
Coding change: c.1349C>T on transcript NM_001281775.3 (MANE Select); coding-DNA position 1349, C replaced by T.
Protein change: p.Pro450Leu; replaces proline 450 with leucine.
Molecular consequence: missense variant.
Genome position (GRCh38, 1-based): chr20:47,276,445, G>A on the plus strand (C>T on the coding strand, the complement: ZMYND8 is on the minus strand). VCF-style: chr20-47276445-G-A. GRCh37 (hg19) VCF-style: chr20-45905189-G-A.
Other names: c.1274C>T, p.Pro425Leu (NM_001281771.3, NM_001281782.3, NM_001281784.3 and 4 more transcripts); c.1349C>T, p.Pro450Leu (NM_001281783.3, NM_012408.6, NM_183047.4 and 1 more transcripts); c.1370C>T, p.Pro457Leu (NM_001363714.1); c.1289C>T, p.Pro430Leu (NM_001363741.2, NM_001281772.3, NM_001281773.3 and 1 more transcripts); c.545C>T, p.Pro182Leu (NM_001281779.3, NM_001281780.3); short protein forms P182L, P425L, P430L, P450L, P457L.
Identifiers: ClinVar variation 5020860 (VCV005020860.1).

ClinVar aggregate classification (germline): Uncertain significance (1 of 4 stars; one submission).

gnomAD v4.1: 2 of 1,614,132 alleles (0.00012%); highest among the groups gnomAD compares: South Asian, 0.0011%; no homozygotes.

Submission:

Dasa
Classification: Uncertain significance. Last evaluated: 2025-09-18. Review status: criteria provided, single submitter. Criteria: DASA Assertion Criteria. Collection method: clinical testing. Allele origin: germline.
Comment: NM_001281775.3(ZMYND8):c.1349C>T (p.Pro450Leu) is a missense variant that results in the substitution of proline with leucine. This variant is rare in population databases. The currently available literature and clinical evidence are not sufficient to establish a definitive association between this variant and the reported condition. Therefore, this variant is classified as a variant of uncertain significance.